The following is an entry in ClinVar:

NM_144997.7(FLCN):c.113del (p.Ser38fs)

Gene: FLCN (folliculin; minus strand). Cytogenetic location: 17p11.2.
Variant type: Deletion.
Coding change: c.113del on transcript NM_144997.7 (MANE Select); coding-DNA position 113, one base deleted (G; older notation c.113delG).
Protein change: p.Ser38fs; shifts the reading frame from serine 38.
Molecular consequence: frameshift variant.
Genome position (GRCh38, 1-based): chr17:17,228,025, C deleted on the plus strand (G on the coding strand, the reverse complement: FLCN is on the minus strand). VCF-style (leftmost placement, unchanged base first): chr17-17228024-AC-A. GRCh37 (hg19) VCF-style: chr17-17131338-AC-A.
Other names: c.113del (LRG_325t1, NM_144997.5); c.113del, p.Ser38fs (NM_001353229.2, NM_001353230.2, NM_001353231.2 and 1 more transcripts); short protein forms S38fs.
Identifiers: ClinVar variation 241913 (VCV000241913.12), dbSNP rs878855212, ClinGen allele CA10583459.

ClinVar aggregate classification (germline): Pathogenic. Review status: criteria provided, multiple submitters, no conflicts (2 of 4 stars). 3 submissions from 3 submitters: Pathogenic (3). Last evaluated 2025-08-27.

Conditions:
Hereditary cancer-predisposing syndrome. Also called: Neoplastic Syndromes, Hereditary; Tumor predisposition; Hereditary neoplastic syndrome; Hereditary Cancer Syndrome. Identifiers: Orphanet 140162, MedGen C0027672, MeSH D009386, MONDO:0015356.
Birt-Hogg-Dube syndrome. Also called: Birt Hogg Dubé syndrome. Identifiers: Orphanet 122, MedGen C0346010, MONDO:0800444.

Submissions (3):

Labcorp Genetics (formerly Invitae), Labcorp
Classification: Pathogenic for Birt-Hogg-Dube syndrome. Last evaluated: 2025-08-27. Review status: criteria provided, single submitter. Criteria: Invitae Variant Classification Sherloc (09022015). Collection method: clinical testing. Allele origin: germline.
Comment: This sequence change creates a premature translational stop signal (p.Ser38Ilefs*17) in the FLCN gene. It is expected to result in an absent or disrupted protein product. Loss-of-function variants in FLCN are known to be pathogenic (PMID: 15852235). This variant is not present in population databases (gnomAD no frequency). This variant has not been reported in the literature in individuals affected with FLCN-related conditions. ClinVar contains an entry for this variant (Variation ID: 241913). For these reasons, this variant has been classified as Pathogenic.

Ambry Genetics
Classification: Pathogenic for Hereditary cancer-predisposing syndrome. Last evaluated: 2023-07-05. Review status: criteria provided, single submitter. Criteria: Ambry Variant Classification Scheme 2023. Collection method: clinical testing. Allele origin: germline.
Comment: The c.113delG pathogenic mutation, located in coding exon 1 of the FLCN gene, results from a deletion of one nucleotide at nucleotide position 113, causing a translational frameshift with a predicted alternate stop codon (p.S38Ifs*17). This variant is considered to be rare based on population cohorts in the Genome Aggregation Database (gnomAD). This alteration is expected to result in loss of function by premature protein truncation or nonsense-mediated mRNA decay. As such, this alteration is interpreted as a disease-causing mutation.

GeneDx
Classification: Pathogenic. Last evaluated: 2018-03-23. Review status: criteria provided, single submitter. Criteria: GeneDx Variant Classification (06012015). Collection method: clinical testing. Allele origin: germline. Affected: yes.
Comment: The c.113delG variant has not been published as a pathogenic variant, nor has it been reported as a benign variant to our knowledge. The variant is not observed in large population cohorts (Lek et al., 2016). The variant causes a frameshift starting with codon Serine 38, changes this amino acid to an Isoleucine residue and creates a premature Stop codon at position 17 of the new reading frame, denoted p.Ser38IlefsX17. This variant is predicted to cause loss of normal protein function either through protein truncation or nonsense-mediated mRNA decay. In summary, we consider this variant to be pathogenic.

Literature cited by the submitters: PubMed 15852235 (cited by Labcorp Genetics (formerly Invitae), Labcorp).